The following is an entry in ClinVar:

ClinVar aggregate classification (germline): Uncertain significance. Review status: criteria provided, multiple submitters, no conflicts (2 of 4 stars). 2 submissions from 2 submitters: Uncertain significance (2). Last evaluated 2024-06-09.

Allele frequency attached by ClinVar (database versions not stated): gnomAD exomes below 0.00001; gnomAD 0.00001.
gnomAD v4.1: 2 of 1,069,614 alleles (0.00019%); highest among the groups gnomAD compares: East Asian, 0.015%; no homozygotes.

Submissions (2):

Labcorp Genetics (formerly Invitae), Labcorp
Classification: Uncertain significance. Last evaluated: 2024-06-09. Review status: criteria provided, single submitter. Criteria: Invitae Variant Classification Sherloc (09022015). Collection method: clinical testing. Allele origin: germline.
Comment: This sequence change replaces alanine, which is neutral and non-polar, with proline, which is neutral and non-polar, at codon 26 of the ADGRA3 protein (p.Ala26Pro). The frequency data for this variant in the population databases is considered unreliable, as metrics indicate insufficient coverage at this position in the gnomAD database. This variant has not been reported in the literature in individuals affected with ADGRA3-related conditions. Experimental studies and prediction algorithms are not available or were not evaluated, and the functional significance of this variant is currently unknown. In summary, the available evidence is currently insufficient to determine the role of this variant in disease. Therefore, it has been classified as a Variant of Uncertain Significance.

Ambry Genetics
Classification: Uncertain significance. Last evaluated: 2024-01-29. Review status: criteria provided, single submitter. Criteria: Ambry Variant Classification Scheme 2023. Collection method: clinical testing. Allele origin: germline.

NM_145290.4(ADGRA3):c.76G>C (p.Ala26Pro)

Gene: ADGRA3 (adhesion G protein-coupled receptor A3; minus strand). Cytogenetic location: 4p15.2.
Variant type: single nucleotide variant.
Coding change: c.76G>C on transcript NM_145290.4 (MANE Select); coding-DNA position 76, G replaced by C.
Protein change: p.Ala26Pro; replaces alanine 26 with proline.
Molecular consequence: missense variant.
Genome position (GRCh38, 1-based): chr4:22,515,709, C>G on the plus strand (G>C on the coding strand, the complement: ADGRA3 is on the minus strand). VCF-style: chr4-22515709-C-G. GRCh37 (hg19) VCF-style: chr4-22517332-C-G.
Other names: short protein forms A26P.
Identifiers: ClinVar variation 3083770 (VCV003083770.3), dbSNP rs1318494279, ClinGen allele CA356507897.